The following is an entry in ClinVar:

ClinVar aggregate classification (germline): Uncertain significance (1 of 4 stars; one submission).

Submission:

Women's Health and Genetics/Laboratory Corporation of America, LabCorp
Classification: Uncertain significance. Last evaluated: 2025-12-09. Review status: criteria provided, single submitter. Criteria: LabCorp Variant Classification Summary - May 2015. Collection method: clinical testing. Allele origin: germline.
Comment: Variant summary: TTN c.34523T>C (p.Val11508Ala) results in a non-conservative amino acid change in the encoded protein sequence. Algorithms developed to predict the effect of missense changes on protein structure and function are either unavailable or do not agree on the potential impact of this missense change. The variant was absent in 248280 control chromosomes. The available data on variant occurrences in the general population are insufficient to allow any conclusion about variant significance. To our knowledge, no occurrence of c.34523T>C in individuals affected with TTN-related conditions and no experimental evidence demonstrating its impact on protein function have been reported. No submitters have cited clinical-significance assessments for this variant to ClinVar. Based on the evidence outlined above, the variant was classified as uncertain significance.

NM_001267550.2(TTN):c.42227T>C (p.Val14076Ala)

Gene: TTN (titin; minus strand). Cytogenetic location: 2q31.2.
Variant type: single nucleotide variant.
Coding change: c.42227T>C on transcript NM_001267550.2 (MANE Select); coding-DNA position 42227, T replaced by C.
Protein change: p.Val14076Ala; replaces valine 14076 with alanine.
Molecular consequence: missense variant.
Genome position (GRCh38, 1-based): chr2:178,634,554, A>G on the plus strand (T>C on the coding strand, the complement: TTN is on the minus strand). VCF-style: chr2-178634554-A-G. GRCh37 (hg19) VCF-style: chr2-179499281-A-G.
Other names: c.37304T>C, p.Val12435Ala (NM_001256850.1); c.15032T>C, p.Val5011Ala (NM_003319.4); c.34523T>C, p.Val11508Ala (NM_133378.4); c.15407T>C, p.Val5136Ala (NM_133432.3); c.15608T>C, p.Val5203Ala (NM_133437.4); short protein forms V11508A, V12435A, V14076A, V5011A, V5136A, V5203A.
Identifiers: ClinVar variation 4688471 (VCV004688471.1).